The following is an entry in ClinVar:

NM_002293.4(LAMC1):c.4688A>G (p.Asn1563Ser)

Gene: LAMC1 (laminin subunit gamma 1; plus strand). Cytogenetic location: 1q25.3.
Variant type: single nucleotide variant.
Coding change: c.4688A>G on transcript NM_002293.4 (MANE Select); coding-DNA position 4688, A replaced by G.
Protein change: p.Asn1563Ser; replaces asparagine 1563 with serine.
Molecular consequence: missense variant.
Genome position (GRCh38, 1-based): chr1:183,142,648, A>G. VCF-style: chr1-183142648-A-G. GRCh37 (hg19) VCF-style: chr1-183111783-A-G.
Other names: short protein forms N1563S.
Identifiers: ClinVar variation 2238123 (VCV002238123.23), dbSNP rs771130154, ClinGen allele CA1282103.

ClinVar aggregate classification (germline): Uncertain significance. Review status: criteria provided, multiple submitters, no conflicts (2 of 4 stars). 2 submissions from 2 submitters: Uncertain significance (2). Last evaluated 2024-03-01.

Allele frequency attached by ClinVar (database versions not stated): gnomAD 0.00001; gnomAD exomes 0.00003; ExAC 0.00004.
gnomAD v4.1: 39 of 1,614,050 alleles (0.0024%); highest among the groups gnomAD compares: South Asian, 0.036%; 1 homozygote.

Submissions (2):

CeGaT Center for Human Genetics Tuebingen
Classification: Uncertain significance. Last evaluated: 2024-03-01. Review status: criteria provided, single submitter. Criteria: CeGaT Center For Human Genetics Tuebingen Variant Classification Criteria Version 2. Collection method: clinical testing. Allele origin: germline. Affected: yes. Observed: 1 variant allele.
Comment: LAMC1: PM2, BP4

Ambry Genetics
Classification: Uncertain significance. Last evaluated: 2021-07-16. Review status: criteria provided, single submitter. Criteria: Ambry Variant Classification Scheme 2023. Collection method: clinical testing. Allele origin: germline.